The following is an entry in ClinVar:

NM_001376.5(DYNC1H1):c.3097C>G (p.Leu1033Val)

Gene: DYNC1H1 (dynein cytoplasmic 1 heavy chain 1; plus strand). Cytogenetic location: 14q32.31.
Variant type: single nucleotide variant.
Coding change: c.3097C>G on transcript NM_001376.5 (MANE Select); coding-DNA position 3097, C replaced by G.
Protein change: p.Leu1033Val; replaces leucine 1033 with valine.
Molecular consequence: missense variant.
Genome position (GRCh38, 1-based): chr14:101,994,265, C>G. VCF-style: chr14-101994265-C-G. GRCh37 (hg19) VCF-style: chr14-102460602-C-G.
Other names: short protein forms L1033V.
Identifiers: ClinVar variation 2114464 (VCV002114464.4), dbSNP rs2503713386, ClinGen allele CA391032345.

ClinVar aggregate classification (germline): Uncertain significance (1 of 4 stars; one submission).

Conditions:
Charcot-Marie-Tooth disease axonal type 2O. Also called: Charcot-Marie-Tooth disease, axonal, type 20; CHARCOT-MARIE-TOOTH NEUROPATHY, AXONAL, TYPE 2O; CHARCOT-MARIE-TOOTH DISEASE, AXONAL, AUTOSOMAL DOMINANT, TYPE 2O; Charcot-Marie-Tooth Neuropathy Type 2O. Identifiers: Orphanet 284232, MedGen C3280220, MONDO:0013644, OMIM 614228.

Submission:

Labcorp Genetics (formerly Invitae), Labcorp
Classification: Uncertain significance for Charcot-Marie-Tooth disease axonal type 2O. Last evaluated: 2022-03-19. Review status: criteria provided, single submitter. Criteria: Invitae Variant Classification Sherloc (09022015). Collection method: clinical testing. Allele origin: germline.
Comment: This sequence change replaces leucine, which is neutral and non-polar, with valine, which is neutral and non-polar, at codon 1033 of the DYNC1H1 protein (p.Leu1033Val). In summary, the available evidence is currently insufficient to determine the role of this variant in disease. Therefore, it has been classified as a Variant of Uncertain Significance. Algorithms developed to predict the effect of missense changes on protein structure and function are either unavailable or do not agree on the potential impact of this missense change (SIFT: "Deleterious"; PolyPhen-2: "Benign"; Align-GVGD: "Class C25"). This variant has not been reported in the literature in individuals affected with DYNC1H1-related conditions. This variant is not present in population databases (gnomAD no frequency).